The following is an entry in ClinVar:

NM_018907.4(PCDHA4):c.1937G>T (p.Arg646Leu)

Genes: PCDHA1 (protocadherin alpha 1; plus strand), PCDHA2 (protocadherin alpha 2; plus strand), PCDHA3 (protocadherin alpha 3; plus strand), PCDHA4 (protocadherin alpha 4; plus strand), PCDHA@ (protocadherin alpha cluster, complex locus; plus strand). Cytogenetic location: 5q31.3.
Variant type: single nucleotide variant.
Coding change: c.1937G>T on transcript NM_018907.4 (MANE Select); coding-DNA position 1937, G replaced by T.
Protein change: p.Arg646Leu; replaces arginine 646 with leucine.
Molecular consequence: missense variant. On other transcripts: intron variant (4).
Genome position (GRCh38, 1-based): chr5:140,809,124, G>T. VCF-style: chr5-140809124-G-T. GRCh37 (hg19) VCF-style: chr5-140188709-G-T.
Other names: c.1937G>T, p.Arg646Leu (NM_031500.3); c.2394+20440G>T (NM_018900.4); c.1602+21232G>T (NM_031411.3); c.2388+11772G>T (NM_018905.3); c.2394+5533G>T (NM_018906.3); short protein forms R646L.
Identifiers: ClinVar variation 2655755 (VCV002655755.24), dbSNP rs147674000, ClinGen allele CA3447345.
Genomic context (GRCh38, chr5:140,809,124, plus strand): 5'-TGTACACTGGCGAGATCAGCACAACGCGTGCCCTGGACGAAACGGACGCTCCGCGCCACC[G>T]CCTACTGGTACTGGTGAAGGACCACGGCGAGCCCGCGCTGACGGCCACGGCCACTGTGCT-3'
Protein context (NP_061730.1, residues 636-656): ALDETDAPRH[Arg646Leu]LLVLVKDHGE

ClinVar aggregate classification (germline): Likely benign (1 of 4 stars; one submission).

Allele frequency attached by ClinVar (database versions not stated): 1000 Genomes Project 30x 0.00422; gnomAD 0.00596; TOPMed 0.00600; ESP Exome Variant Server 0.00661; 1000 Genomes Project 0.00379.
gnomAD v4.1: 12,837 of 1,613,980 alleles (0.8%); highest among the groups gnomAD compares: Middle Eastern, 1.1%; 65 homozygotes.

Submission:

CeGaT Center for Human Genetics Tuebingen
Classification: Likely benign. Last evaluated: 2023-03-01. Review status: criteria provided, single submitter. Criteria: CeGaT Center For Human Genetics Tuebingen Variant Classification Criteria Version 2. Collection method: clinical testing. Allele origin: germline. Affected: yes. Observed: 1 variant allele.
Comment: PCDHA4: BP4, BS2